The following is an entry in ClinVar:

NM_001128840.3(CACNA1D):c.5111C>T (p.Thr1704Ile)

Gene: CACNA1D (calcium voltage-gated channel subunit alpha1 D; plus strand). Cytogenetic location: 3p21.1.
Variant type: single nucleotide variant.
Coding change: c.5111C>T on transcript NM_001128840.3 (MANE Select); coding-DNA position 5111, C replaced by T.
Protein change: p.Thr1704Ile; replaces threonine 1704 with isoleucine.
Molecular consequence: missense variant.
Genome position (GRCh38, 1-based): chr3:53,801,128, C>T. VCF-style: chr3-53801128-C-T. GRCh37 (hg19) VCF-style: chr3-53835155-C-T.
Other names: c.5171C>T, p.Thr1724Ile (NM_000720.4); c.5066C>T, p.Thr1689Ile (NM_001128839.3); short protein forms T1704I, T1689I, T1724I.
Identifiers: ClinVar variation 3664876 (VCV003664876.2).

ClinVar aggregate classification (germline): Uncertain significance (1 of 4 stars; one submission).

Submission:

Labcorp Genetics (formerly Invitae), Labcorp
Classification: Uncertain significance. Last evaluated: 2024-03-04. Review status: criteria provided, single submitter. Criteria: Invitae Variant Classification Sherloc (09022015). Collection method: clinical testing. Allele origin: germline.
Comment: This sequence change replaces threonine, which is neutral and polar, with isoleucine, which is neutral and non-polar, at codon 1724 of the CACNA1D protein (p.Thr1724Ile). This variant is not present in population databases (gnomAD no frequency). This variant has not been reported in the literature in individuals affected with CACNA1D-related conditions. Algorithms developed to predict the effect of missense changes on protein structure and function output the following: SIFT: "Not Available"; PolyPhen-2: "Benign"; Align-GVGD: "Not Available". The isoleucine amino acid residue is found in multiple mammalian species, which suggests that this missense change does not adversely affect protein function. In summary, the available evidence is currently insufficient to determine the role of this variant in disease. Therefore, it has been classified as a Variant of Uncertain Significance.